The following is an entry in ClinVar:

NM_001199138.2(NLRC4):c.1441_1449del (p.Ser481_Ile483del)

Gene: NLRC4 (NLR family CARD domain containing 4; minus strand). Cytogenetic location: 2p22.3.
Variant type: Deletion.
Coding change: c.1441_1449del on transcript NM_001199138.2 (MANE Select); coding-DNA positions 1441 to 1449, 9 bases deleted (TCGGACATT; older notation c.1441_1449delTCGGACATT).
Protein change: p.Ser481_Ile483del.
Molecular consequence: inframe deletion. On other transcripts: inframe indel (2), intron variant (1).
Genome position (GRCh38, 1-based): chr2:32,250,415-32,250,423, AATGTCCGA deleted on the plus strand (TCGGACATT on the coding strand, the reverse complement: NLRC4 is on the minus strand); deleting any 9 consecutive bases within chr2:32,250,415-32,250,427 gives the same sequence; the c. name uses the placement nearest the transcript's 3' end. VCF-style (leftmost placement, unchanged base first): chr2-32250414-TAATGTCCGA-T. GRCh37 (hg19) VCF-style: chr2-32475483-TAATGTCCGA-T.
Other names: c.1437_1445delCATTTCGGA, p.Ser481_Ile483del (NM_001199139.2, NM_021209.5); c.262+1996_262+2004del (NM_001302504.1).
Identifiers: ClinVar variation 1037193 (VCV001037193.8), dbSNP rs1687045453, ClinGen allele CA1242558873.

ClinVar aggregate classification (germline): Uncertain significance (1 of 4 stars; one submission).

Conditions:
Familial cold autoinflammatory syndrome 4 (FCAS4). Identifiers: Orphanet 47045, Orphanet 576349, MedGen C4015276, MONDO:0014498, OMIM 616115.
Periodic fever-infantile enterocolitis-autoinflammatory syndrome. Also called: Autoinflammation with infantile enterocolitis. Identifiers: Orphanet 436166, MedGen C4015067, MONDO:0014472, OMIM 616050.

Submission:

Labcorp Genetics (formerly Invitae), Labcorp
Classification: Uncertain significance for Periodic fever-infantile enterocolitis-autoinflammatory syndrome; Familial cold autoinflammatory syndrome 4. Last evaluated: 2025-08-25. Review status: criteria provided, single submitter. Criteria: Invitae Variant Classification Sherloc (09022015). Collection method: clinical testing. Allele origin: germline.
Comment: This variant, c.1441_1449del, results in the deletion of 3 amino acid(s) of the NLRC4 protein (p.Ser481_Ile483del), but otherwise preserves the integrity of the reading frame. This variant is not present in population databases (gnomAD no frequency). This variant has not been reported in the literature in individuals affected with NLRC4-related conditions. ClinVar contains an entry for this variant (Variation ID: 1037193). Experimental studies and prediction algorithms are not available or were not evaluated, and the functional significance of this variant is currently unknown. In summary, the available evidence is currently insufficient to determine the role of this variant in disease. Therefore, it has been classified as a Variant of Uncertain Significance.